The following is an entry in ClinVar:

ClinVar aggregate classification (germline): Uncertain significance. Review status: criteria provided, multiple submitters, no conflicts (2 of 4 stars). 2 submissions from 2 submitters: Uncertain significance (2). Last evaluated 2025-06-03.

Allele frequency attached by ClinVar (database versions not stated): 1000 Genomes Project 30x 0.00016; 1000 Genomes Project 0.00020; gnomAD 0.00042; ExAC 0.00046; TOPMed 0.00054; gnomAD exomes 0.00062; ESP Exome Variant Server 0.00069.
gnomAD v4.1: 963 of 1,614,140 alleles (0.06%); highest among the groups gnomAD compares: Non-Finnish European, 0.077%; 1 homozygote.

Submissions (2):

Labcorp Genetics (formerly Invitae), Labcorp
Classification: Uncertain significance. Last evaluated: 2025-06-03. Review status: criteria provided, single submitter. Criteria: Invitae Variant Classification Sherloc (09022015). Collection method: clinical testing. Allele origin: germline.
Comment: This sequence change replaces valine, which is neutral and non-polar, with isoleucine, which is neutral and non-polar, at codon 212 of the KRT71 protein (p.Val212Ile). This variant is present in population databases (rs147452537, gnomAD 0.08%), and has an allele count higher than expected for a pathogenic variant. This variant has not been reported in the literature in individuals affected with KRT71-related conditions. ClinVar contains an entry for this variant (Variation ID: 2077241). Invitae Evidence Modeling of protein sequence and biophysical properties (such as structural, functional, and spatial information, amino acid conservation, physicochemical variation, residue mobility, and thermodynamic stability) indicates that this missense variant is not expected to disrupt KRT71 protein function with a negative predictive value of 80%. In summary, the available evidence is currently insufficient to determine the role of this variant in disease. Therefore, it has been classified as a Variant of Uncertain Significance.

Ambry Genetics
Classification: Uncertain significance. Last evaluated: 2023-11-27. Review status: criteria provided, single submitter. Criteria: Ambry Variant Classification Scheme 2023. Collection method: clinical testing. Allele origin: germline.

NM_033448.3(KRT71):c.634G>A (p.Val212Ile)

Gene: KRT71 (keratin 71; minus strand). Cytogenetic location: 12q13.13.
Variant type: single nucleotide variant.
Coding change: c.634G>A on transcript NM_033448.3 (MANE Select); coding-DNA position 634, G replaced by A.
Protein change: p.Val212Ile; replaces valine 212 with isoleucine.
Molecular consequence: missense variant.
Genome position (GRCh38, 1-based): chr12:52,550,051, C>T on the plus strand (G>A on the coding strand, the complement: KRT71 is on the minus strand). VCF-style: chr12-52550051-C-T. GRCh37 (hg19) VCF-style: chr12-52943835-C-T.
Other names: short protein forms V212I.
Identifiers: ClinVar variation 2077241 (VCV002077241.5), dbSNP rs147452537, ClinGen allele CA6583390.
Genomic context (GRCh38, chr12:52,550,051, plus strand): 5'-GGCAGTTGTCCAGTTACAGGGGGACTCCTCCTGCTCACCTCTTCTTGTAGTCCTCCACTA[C>T]GTCCCGCACATTCCTCAGCTCCGAGTCCAGCCTCACCCTGTCCCCAGACAGCGTCTCCAG-3'
Protein context (NP_258259.1, residues 202-222): LDSELRNVRD[Val212Ile]VEDYKKRYEE